The following is an entry in ClinVar:

NM_001042492.3(NF1):c.1485_1488dup (p.Val497fs)

Gene: NF1 (neurofibromin 1; plus strand). Cytogenetic location: 17q11.2.
Variant type: Duplication.
Coding change: c.1485_1488dup on transcript NM_001042492.3 (MANE Select); coding-DNA positions 1485 to 1488, 4 bases duplicated (CATG; older notation c.1485_1488dupCATG).
Protein change: p.Val497fs; shifts the reading frame from valine 497.
Molecular consequence: frameshift variant.
Genome position (GRCh38, 1-based): chr17:31,214,543-31,214,546, CATG duplicated. VCF-style (leftmost placement, unchanged base first): chr17-31214542-C-CCATG. GRCh37 (hg19) VCF-style: chr17-29541560-C-CCATG.
Other names: c.1485_1488dup, p.Val497Hisfs (NM_000267.4); c.1485_1488dup, p.Val497fs (NM_001128147.3); short protein forms V497fs.
Identifiers: ClinVar variation 2572054 (VCV002572054.2), dbSNP rs2544829660, ClinGen allele CA2580614056.

ClinVar aggregate classification (germline): Pathogenic (1 of 4 stars; one submission).

Conditions:
Neurofibromatosis, type 1 (NF1). Also called: Neurofibromatosis, type I; NEUROFIBROMATOSIS, TYPE I, SOMATIC; VON RECKLINGHAUSEN DISEASE; Peripheral type neurofibromatosis. Identifiers: Orphanet 636, MedGen C0027831, MONDO:0018975, OMIM 162200. Disease mechanism: loss of function.

Submission:

Institute of Human Genetics, University of Goettingen
Classification: Pathogenic for Neurofibromatosis, type 1. Last evaluated: 2023-07-13. Review status: criteria provided, single submitter. Criteria: ACMG Guidelines, 2015. Collection method: clinical testing. Allele origin: de novo. Inheritance: Sporadic. Affected: yes. Observed: 1 heterozygote.
Comment: The variant c.1485_1488dup (p.(Val497Hisfs*15)) in exon 13 of the NF1 gene is not found in the gnomAD database and it creates a frame shift starting at codon Val497. The new reading frame ends in a STOP codon at position 15. ACMG criteria used for classification: PVS1, PM2_supp, PM6.